The following is an entry in ClinVar:

NM_007294.4(BRCA1):c.1949T>C (p.Ile650Thr)

Gene: BRCA1 (BRCA1 DNA repair associated; minus strand). Cytogenetic location: 17q21.31.
Variant type: single nucleotide variant.
Coding change: c.1949T>C on transcript NM_007294.4 (MANE Select); coding-DNA position 1949, T replaced by C.
Protein change: p.Ile650Thr; replaces isoleucine 650 with threonine.
Molecular consequence: missense variant. On other transcripts: intron variant (137).
Genome position (GRCh38, 1-based): chr17:43,093,582, A>G on the plus strand (T>C on the coding strand, the complement: BRCA1 is on the minus strand). VCF-style: chr17-43093582-A-G. GRCh37 (hg19) VCF-style: chr17-41245599-A-G.
Other names: c.1808T>C, p.Ile603Thr (NM_001407738.1, NM_001407739.1, NM_001407692.1 and 29 more transcripts); c.1805T>C, p.Ile602Thr (NM_001407740.1, NM_001407741.1, NM_001407742.1 and 20 more transcripts); c.460+2264T>C (NM_001408506.1, NM_001408507.1); c.577+1162T>C (NM_001408481.1, NM_001408480.1, NM_001408492.1 and 9 more transcripts); c.778+1162T>C (NM_001408408.1); c.661+1162T>C (NM_001408446.1, NM_001408435.1, NM_001408448.1 and 6 more transcripts); c.784+1162T>C (NM_001408401.1, NM_001408396.1, NM_001407985.1 and 13 more transcripts); c.548-2550T>C (NM_001408494.1); and 40 more; short protein forms I650T, I603T, I354T, I523T, I562T, I579T, I582T, I609T.
Identifiers: ClinVar variation 462572 (VCV000462572.12), dbSNP rs1555590816, ClinGen allele CA10598124.
Genomic context (GRCh38, chr17:43,093,582, plus strand): 5'-TCCATGAGTTGTAGGTTTCTGCTGTGCCTGACTGGCATTTGGTTGTACTTTTTTTTCTTT[A>G]TCTCTTCACTGCTAGAACAACTATCAATTTGCAATTCAGTACAATTAGGTGGGCTTAGAT-3'
Protein context (NP_009225.1, residues 640-660): QIDSCSSSEE[Ile650Thr]KKKKYNQMPV

ClinVar aggregate classification (germline): Conflicting classifications of pathogenicity. Review status: criteria provided, conflicting classifications (1 of 4 stars). 2 submissions from 2 submitters: Uncertain significance (1); Likely benign (1). Last evaluated 2023-03-23.

Conditions:
Hereditary breast ovarian cancer syndrome. Also called: Hereditary breast and ovarian cancer syndrome (HBOC); Hereditary breast and ovarian cancer syndrome; Breast and ovarian cancer; Hereditary breast and/or ovarian cancer syndrome; Hereditary breast and ovarian cancer; BRCA1- and BRCA2-Associated Hereditary Breast and Ovarian Cancer. Identifiers: Orphanet 145, MedGen C0677776, MeSH D061325, MONDO:0003582. Disease mechanism: loss of function.
Hereditary cancer-predisposing syndrome. Also called: Neoplastic Syndromes, Hereditary; Hereditary Cancer Syndrome; Hereditary neoplastic syndrome; Tumor predisposition. Identifiers: Orphanet 140162, MedGen C0027672, MeSH D009386, MONDO:0015356.

Submissions (2):

University of Washington Department of Laboratory Medicine, University of Washington
Classification: Likely benign for Hereditary cancer-predisposing syndrome. Last evaluated: 2023-03-23. Review status: criteria provided, single submitter. Criteria: Dines et al. (Genet Med. 2020). Collection method: curation. Allele origin: germline.
Comment: Missense variant in a coldspot region where missense variants are very unlikely to be pathogenic (PMID:31911673).

BRCA1 coldspot (exon 11 using historical exon numbering). Reclassification based on statistical prior probability

Labcorp Genetics (formerly Invitae), Labcorp
Classification: Uncertain significance for Hereditary breast ovarian cancer syndrome. Last evaluated: 2022-07-18. Review status: criteria provided, single submitter. Criteria: Invitae Variant Classification Sherloc (09022015). Collection method: clinical testing. Allele origin: germline.
Comment: In summary, the available evidence is currently insufficient to determine the role of this variant in disease. Therefore, it has been classified as a Variant of Uncertain Significance. Advanced modeling of protein sequence and biophysical properties (such as structural, functional, and spatial information, amino acid conservation, physicochemical variation, residue mobility, and thermodynamic stability) performed at Invitae indicates that this missense variant is not expected to disrupt BRCA1 protein function. ClinVar contains an entry for this variant (Variation ID: 462572). This variant has not been reported in the literature in individuals affected with BRCA1-related conditions. This variant is not present in population databases (gnomAD no frequency). This sequence change replaces isoleucine, which is neutral and non-polar, with threonine, which is neutral and polar, at codon 650 of the BRCA1 protein (p.Ile650Thr).